The following is an entry in ClinVar:

ClinVar aggregate classification (germline): Uncertain significance (1 of 4 stars; one submission).

Conditions:
Inborn genetic diseases. Identifiers: MedGen C0950123, MeSH D030342.

Allele frequency attached by ClinVar (database versions not stated): gnomAD 0.00001; TOPMed 0.00001.
gnomAD v4.1: 4 of 1,609,728 alleles (0.00025%); highest among the groups gnomAD compares: Admixed American, 0.0017%; no homozygotes.

Submission:

Ambry Genetics
Classification: Uncertain significance for Inborn genetic diseases. Last evaluated: 2020-11-12. Review status: criteria provided, single submitter. Criteria: Ambry Variant Classification Scheme 2023. Collection method: clinical testing. Allele origin: germline.
Comment: The p.P524S variant (also known as c.1570C>T), located in coding exon 10 of the GAN gene, results from a C to T substitution at nucleotide position 1570. The proline at codon 524 is replaced by serine, an amino acid with similar properties. This amino acid position is highly conserved in available vertebrate species. In addition, this alteration is predicted to be deleterious by in silico analysis. Since supporting evidence is limited at this time, the clinical significance of this alteration remains unclear.

NM_022041.4(GAN):c.1570C>T (p.Pro524Ser)

Gene: GAN (gigaxonin; plus strand). Cytogenetic location: 16q23.2.
Variant type: single nucleotide variant.
Coding change: c.1570C>T on transcript NM_022041.4 (MANE Select); coding-DNA position 1570, C replaced by T.
Protein change: p.Pro524Ser; replaces proline 524 with serine.
Molecular consequence: missense variant.
Genome position (GRCh38, 1-based): chr16:81,377,286, C>T. VCF-style: chr16-81377286-C-T. GRCh37 (hg19) VCF-style: chr16-81410891-C-T.
Other names: c.931C>T, p.Pro311Ser (NM_001377486.1); short protein forms P311S, P524S.
Identifiers: ClinVar variation 1775502 (VCV001775502.2), dbSNP rs1281008273, ClinGen allele CA396892151.